The following is an entry in ClinVar:

NM_015627.3(LDLRAP1):c.337A>G (p.Ile113Val)

Gene: LDLRAP1 (low density lipoprotein receptor adaptor protein 1; plus strand). Cytogenetic location: 1p36.11.
Variant type: single nucleotide variant.
Coding change: c.337A>G on transcript NM_015627.3 (MANE Select); coding-DNA position 337, A replaced by G.
Protein change: p.Ile113Val; replaces isoleucine 113 with valine.
Molecular consequence: missense variant.
Genome position (GRCh38, 1-based): chr1:25,554,965, A>G. VCF-style: chr1-25554965-A-G. GRCh37 (hg19) VCF-style: chr1-25881456-A-G.
Other names: short protein forms I113V.
Identifiers: ClinVar variation 2637638 (VCV002637638.2), dbSNP rs2524003758, ClinGen allele CA339078529.

ClinVar aggregate classification (germline): Uncertain significance. Review status: criteria provided, multiple submitters, no conflicts (2 of 4 stars). 2 submissions from 2 submitters: Uncertain significance (2). Last evaluated 2025-08-28.

Conditions:
Cardiovascular phenotype. Identifiers: MedGen CN230736.

gnomAD v4.1: 3 of 1,613,128 alleles (0.00019%); highest among the groups gnomAD compares: Non-Finnish European, 0.00017%; no homozygotes.

Submissions (2):

Ambry Genetics
Classification: Uncertain significance for Cardiovascular phenotype. Last evaluated: 2025-08-28. Review status: criteria provided, single submitter. Criteria: Ambry Variant Classification Scheme 2023. Collection method: clinical testing. Allele origin: germline.
Comment: The p.I113V variant (also known as c.337A>G), located in coding exon 3 of the LDLRAP1 gene, results from an A to G substitution at nucleotide position 337. The isoleucine at codon 113 is replaced by valine, an amino acid with highly similar properties. This amino acid position is conserved. In addition, the in silico prediction for this alteration is inconclusive. Based on the available evidence, the clinical significance of this variant remains unclear.

Women's Health and Genetics/Laboratory Corporation of America, LabCorp
Classification: Uncertain significance. Last evaluated: 2023-10-09. Review status: criteria provided, single submitter. Criteria: LabCorp Variant Classification Summary - May 2015. Collection method: clinical testing. Allele origin: germline.